The following is an entry in ClinVar:

NM_014946.4(SPAST):c.1616+3_1616+6del

Gene: SPAST (spastin; plus strand). Cytogenetic location: 2p22.3.
Variant type: Deletion.
Coding change: c.1616+3_1616+6del on transcript NM_014946.4 (MANE Select); bases 3 to 6 of the intron after coding-DNA position 1616, 4 bases deleted (GAGT; older notation c.1616+3_1616+6delGAGT).
Molecular consequence: splice donor variant.
Genome position (GRCh38, 1-based): chr2:32,143,418-32,143,421, GAGT deleted; deleting any 4 consecutive bases within chr2:32,143,416-32,143,421 gives the same sequence; the c. name uses the placement nearest the transcript's 3' end. VCF-style (leftmost placement, unchanged base first): chr2-32143415-GGTGA-G. GRCh37 (hg19) VCF-style: chr2-32368484-GGTGA-G.
Other names: c.1520+3_1520+6del (NM_199436.2, NM_001377959.1); c.1613+3_1613+6del (NM_001363823.2); c.1517+3_1517+6del (NM_001363875.2).
Identifiers: ClinVar variation 4725504 (VCV004725504.1).

ClinVar aggregate classification (germline): Uncertain significance (1 of 4 stars; one submission).

Conditions:
Hereditary spastic paraplegia 4. Also called: Familial spastic paraplegia autosomal dominant 2; Spastic paraplegia 4, autosomal dominant; Spastic Paraplegia 4. Identifiers: Orphanet 100985, MedGen C1866855, MONDO:0008438, OMIM 182601.

Submission:

Labcorp Genetics (formerly Invitae), Labcorp
Classification: Uncertain significance for Hereditary spastic paraplegia 4. Last evaluated: 2026-01-10. Review status: criteria provided, single submitter. Criteria: Invitae Variant Classification Sherloc (09022015). Collection method: clinical testing. Allele origin: germline.
Comment: This sequence change falls in intron 14 of the SPAST gene. It does not directly change the encoded amino acid sequence of the SPAST protein. It affects a nucleotide within the consensus splice site. This variant is not present in population databases (gnomAD no frequency). This variant has not been reported in the literature in individuals affected with SPAST-related conditions. Variants that disrupt the consensus splice site are a relatively common cause of aberrant splicing (PMID: 17576681, 9536098). Algorithms developed to predict the effect of sequence changes on RNA splicing suggest that this variant may disrupt the consensus splice site. In summary, the available evidence is currently insufficient to determine the role of this variant in disease. Therefore, it has been classified as a Variant of Uncertain Significance.

Literature cited by the submitters: PubMed 17576681; PubMed 9536098.